The following is an entry in ClinVar:

ClinVar aggregate classification (germline): Benign/Likely benign. Review status: criteria provided, multiple submitters, no conflicts (2 of 4 stars). 12 submissions from 9 submitters: Benign (11); Likely benign (1). Last evaluated 2026-02-04.

Conditions:
Congenital myopathy 18. Also called: Myopathy, congenital, due to dihydropyridine receptor defect; DIHYDROPYRIDINE RECEPTOR CONGENITAL MYOPATHY; DHPR CONGENITAL MYOPATHY. Identifiers: MedGen C5830283, MONDO:0859514, OMIM 620246.
Hypokalemic periodic paralysis, type 1. Also called: Hypokalemic Periodic Paralysis Type 1 (AD); HypoPP. Identifiers: Orphanet 681, MedGen C3714580, MONDO:0042979, OMIM 170400.
Malignant hyperthermia, susceptibility to, 5 (MHS5). Also called: CACNA1S-Related Malignant Hyperthermia Susceptibility. Identifiers: Orphanet 423, MedGen C1866077, MONDO:0011163, OMIM 601887.
Thyrotoxic periodic paralysis, susceptibility to, 1 (TTPP1). Identifiers: Orphanet 79102, MedGen C2749982, MONDO:0008570, OMIM 188580.

Allele frequency attached by ClinVar (database versions not stated): gnomAD exomes 0.00093 and 0.00264; ExAC 0.00415; gnomAD 0.00980 and 0.01045; TOPMed 0.01090; 1000 Genomes Project 0.01118; ESP Exome Variant Server 0.01146; 1000 Genomes Project 30x 0.01374.
gnomAD v4.1: 2,895 of 1,604,886 alleles (0.18%); highest among the groups gnomAD compares: African/African-American, 3.3%; 38 homozygotes.

Submissions (12):

Labcorp Genetics (formerly Invitae), Labcorp
Classification: Benign for Hypokalemic periodic paralysis, type 1; Malignant hyperthermia, susceptibility to, 5. Last evaluated: 2026-02-04. Review status: criteria provided, single submitter. Criteria: Invitae Variant Classification Sherloc (09022015). Collection method: clinical testing. Allele origin: germline.

Athena Diagnostics
Classification: Benign. Last evaluated: 2025-04-29. Review status: criteria provided, single submitter. Criteria: Athena Diagnostics Criteria. Collection method: clinical testing. Allele origin: unknown.
Comment: The frequency of this variant in the general population is higher than would generally be expected for pathogenic variants in this gene.

Blueprint Genetics
Classification: Likely benign. Last evaluated: 2024-10-09. Review status: criteria provided, single submitter. Criteria: ACMG Guidelines, 2015. Collection method: clinical testing. Allele origin: germline.

Genome-Nilou Lab
Classification: Benign for Malignant hyperthermia, susceptibility to, 5. Last evaluated: 2023-04-11. Review status: criteria provided, single submitter. Criteria: ACMG Guidelines, 2015. Collection method: clinical testing. Allele origin: germline. Affected: no.

Genome-Nilou Lab
Classification: Benign for Thyrotoxic periodic paralysis, susceptibility to, 1. Last evaluated: 2023-04-11. Review status: criteria provided, single submitter. Criteria: ACMG Guidelines, 2015. Collection method: clinical testing. Allele origin: germline. Affected: no.

Genome-Nilou Lab
Classification: Benign for Congenital myopathy 18. Last evaluated: 2023-04-11. Review status: criteria provided, single submitter. Criteria: ACMG Guidelines, 2015. Collection method: clinical testing. Allele origin: germline. Affected: no.

Genome-Nilou Lab
Classification: Benign for Hypokalemic periodic paralysis, type 1. Last evaluated: 2023-04-11. Review status: criteria provided, single submitter. Criteria: ACMG Guidelines, 2015. Collection method: clinical testing. Allele origin: germline. Affected: no.

Color Diagnostics, LLC DBA Color Health
Classification: Benign for Malignant hyperthermia, susceptibility to, 5. Last evaluated: 2022-10-20. Review status: criteria provided, single submitter. Criteria: ACMG Guidelines, 2015. Collection method: clinical testing. Allele origin: germline.

Illumina Laboratory Services, Illumina
Classification: Benign for Hypokalemic periodic paralysis, type 1. Last evaluated: 2018-01-12. Review status: criteria provided, single submitter. Criteria: ICSL Variant Classification Criteria 13 December 2019. Collection method: clinical testing. Allele origin: germline.
Comment: This variant was observed in the ICSL laboratory as part of a predisposition screen in an ostensibly healthy population. It had not been previously curated by ICSL or reported in the Human Gene Mutation Database (HGMD: prior to June 1st, 2018), and was therefore a candidate for classification through an automated scoring system. Utilizing variant allele frequency, disease prevalence and penetrance estimates, and inheritance mode, an automated score was calculated to assess if this variant is too frequent to cause the disease. Based on the score and internal cut-off values, a variant classified as benign is not then subjected to further curation. The score for this variant resulted in a classification of benign for this disease.

GeneDx
Classification: Benign. Last evaluated: 2016-07-22. Review status: criteria provided, single submitter. Criteria: GeneDx Variant Classification (06012015). Collection method: clinical testing. Allele origin: germline. Affected: yes.
Comment: This variant is considered likely benign or benign based on one or more of the following criteria: it is a conservative change, it occurs at a poorly conserved position in the protein, it is predicted to be benign by multiple in silico algorithms, and/or has population frequency not consistent with disease.

Breakthrough Genomics
Classification: Benign. Review status: criteria provided, single submitter. Criteria: ACMG Guidelines, 2015. Collection method: not provided. Allele origin: germline. Inheritance: Autosomal dominant inheritance. Affected: yes.

PreventionGenetics, part of Exact Sciences
Classification: Benign. Review status: criteria provided, single submitter. Criteria: ACMG Guidelines, 2015. Collection method: clinical testing. Allele origin: germline.

Literature cited by the submitters: PubMed 30325262 (cited by Athena Diagnostics).

NM_000069.3(CACNA1S):c.2480T>C (p.Met827Thr)

Gene: CACNA1S (calcium voltage-gated channel subunit alpha1 S; minus strand). Cytogenetic location: 1q32.1.
Variant type: single nucleotide variant.
Coding change: c.2480T>C on transcript NM_000069.3 (MANE Select); coding-DNA position 2480, T replaced by C.
Protein change: p.Met827Thr; replaces methionine 827 with threonine.
Molecular consequence: missense variant.
Genome position (GRCh38, 1-based): chr1:201,069,482, A>G on the plus strand (T>C on the coding strand, the complement: CACNA1S is on the minus strand). VCF-style: chr1-201069482-A-G. GRCh37 (hg19) VCF-style: chr1-201038610-A-G.
Other names: short protein forms M827T.
Identifiers: ClinVar variation 254816 (VCV000254816.23), dbSNP rs61238538, ClinGen allele CA079010.
Genomic context (GRCh38, chr1:201,069,482, plus strand): 5'-GGCTGGAGGGGGCAGGGGTGCTGAGTGGCAGAGAGGGTGAAGCCCGTCACCTGATTTCTC[A>G]TGGAATCAGCCCGGATGGGGTCTTCCGCAGCCAGTGCAGCGCTGCTGAGCAGGATGAAGA-3'
Protein context (NP_000060.2, residues 817-837): AAEDPIRADS[Met827Thr]RNQILKHFDI